The following is an entry in ClinVar:

ClinVar aggregate classification (germline): Conflicting classifications of pathogenicity. Review status: criteria provided, conflicting classifications (1 of 4 stars). 4 submissions from 4 submitters: Uncertain significance (3); Likely benign (1). Last evaluated 2025-12-15.

Conditions:
Pancreatic cancer, susceptibility to, 3. Identifiers: Orphanet 1333, MedGen C3150547, MONDO:0013236, OMIM 613348.
Breast-ovarian cancer, familial, susceptibility to, 5 (BROVCA5). Identifiers: MedGen C5830615, MONDO:0957530, OMIM 620442.
Fanconi anemia complementation group N. Also called: PALB2-Related Fanconi Anemia. Identifiers: Orphanet 84, MedGen C1835817, MONDO:0012565, OMIM 610832. Disease mechanism: loss of function.
Familial cancer of breast. Also called: Hereditary breast cancer; hereditary breast carcinoma; BREAST CANCER, FAMILIAL. Identifiers: Orphanet 227535, MedGen C0346153, MONDO:0016419, OMIM 114480. Disease mechanism: loss of function.
Hereditary cancer-predisposing syndrome. Also called: Hereditary neoplastic syndrome; Neoplastic Syndromes, Hereditary; Tumor predisposition; Hereditary Cancer Syndrome. Identifiers: Orphanet 140162, MedGen C0027672, MeSH D009386, MONDO:0015356.

Submissions (4):

Labcorp Genetics (formerly Invitae), Labcorp
Classification: Uncertain significance for Familial cancer of breast. Last evaluated: 2025-12-15. Review status: criteria provided, single submitter. Criteria: Invitae Variant Classification Sherloc (09022015). Collection method: clinical testing. Allele origin: germline.
Comment: This sequence change replaces phenylalanine, which is neutral and non-polar, with leucine, which is neutral and non-polar, at codon 776 of the PALB2 protein (p.Phe776Leu). This variant is not present in population databases (gnomAD no frequency). This variant has not been reported in the literature in individuals affected with PALB2-related conditions. ClinVar contains an entry for this variant (Variation ID: 410211). Invitae Evidence Modeling of protein sequence and biophysical properties (such as structural, functional, and spatial information, amino acid conservation, physicochemical variation, residue mobility, and thermodynamic stability) indicates that this missense variant is not expected to disrupt PALB2 protein function with a negative predictive value of 80%. In summary, the available evidence is currently insufficient to determine the role of this variant in disease. Therefore, it has been classified as a Variant of Uncertain Significance.

Ambry Genetics
Classification: Likely benign for Hereditary cancer-predisposing syndrome. Last evaluated: 2024-11-15. Review status: criteria provided, single submitter. Criteria: Ambry Variant Classification Scheme 2023. Collection method: clinical testing. Allele origin: germline.

Color Diagnostics, LLC DBA Color Health
Classification: Uncertain significance for Hereditary cancer-predisposing syndrome. Last evaluated: 2024-03-24. Review status: criteria provided, single submitter. Criteria: ACMG Guidelines, 2015. Collection method: clinical testing. Allele origin: germline.
Comment: This missense variant replaces phenylalanine with leucine at codon 776 of the PALB2 protein. Computational prediction suggests that this variant may not impact protein structure and function (internally defined REVEL score threshold <= 0.5, PMID: 27666373). To our knowledge, functional studies have not been reported for this variant. This variant has not been reported in individuals affected with PALB2-related disorders in the literature. This variant has not been identified in the general population by the Genome Aggregation Database (gnomAD). The available evidence is insufficient to determine the role of this variant in disease conclusively. Therefore, this variant is classified as a Variant of Uncertain Significance.

Department of Pathology and Laboratory Medicine, Sinai Health System
Classification: Uncertain significance for Fanconi anemia complementation group N; Pancreatic cancer, susceptibility to, 3; Breast-ovarian cancer, familial, susceptibility to, 5. Last evaluated: 2021-10-21. Review status: criteria provided, single submitter. Criteria: ACMG Guidelines, 2015. Collection method: clinical testing. Allele origin: germline. Affected: no.

NM_024675.4(PALB2):c.2328C>A (p.Phe776Leu)

Gene: PALB2 (partner and localizer of BRCA2; minus strand). Cytogenetic location: 16p12.2.
Variant type: single nucleotide variant.
Coding change: c.2328C>A on transcript NM_024675.4 (MANE Select); coding-DNA position 2328, C replaced by A.
Protein change: p.Phe776Leu; replaces phenylalanine 776 with leucine.
Molecular consequence: missense variant.
Genome position (GRCh38, 1-based): chr16:23,629,826, G>T on the plus strand (C>A on the coding strand, the complement: PALB2 is on the minus strand). VCF-style: chr16-23629826-G-T. GRCh37 (hg19) VCF-style: chr16-23641147-G-T.
Other names: short protein forms F776L.
Identifiers: ClinVar variation 410211 (VCV000410211.14), dbSNP rs45508997, ClinGen allele CA16615088.